The following is an entry in ClinVar:

ClinVar aggregate classification (germline): Likely pathogenic. Review status: criteria provided, multiple submitters, no conflicts (2 of 4 stars). 2 submissions from 2 submitters: Likely pathogenic (2). Last evaluated 2025-01-19.

Conditions:
Dilated cardiomyopathy 1G (CMD1G). Identifiers: Orphanet 154, MedGen C1858763, MONDO:0011400, OMIM 604145.
Autosomal recessive limb-girdle muscular dystrophy type 2J (LGMDR10). Also called: MUSCULAR DYSTROPHY, LIMB-GIRDLE, AUTOSOMAL RECESSIVE 10; Limb-girdle muscular dystrophy, type 2J. Identifiers: Orphanet 140922, MedGen C1837342, MONDO:0012127, OMIM 608807.

Submissions (2):

Labcorp Genetics (formerly Invitae), Labcorp
Classification: Likely pathogenic for Dilated cardiomyopathy 1G; Autosomal recessive limb-girdle muscular dystrophy type 2J. Last evaluated: 2025-01-19. Review status: criteria provided, single submitter. Criteria: Invitae Variant Classification Sherloc (09022015). Collection method: clinical testing. Allele origin: germline.
Comment: This sequence change affects a donor splice site in intron 336 of the TTN gene. It is expected to disrupt RNA splicing and likely results in a truncated or disrupted TTN protein. This variant is not present in population databases (gnomAD no frequency). This variant has not been reported in the literature in individuals affected with TTN-related conditions. ClinVar contains an entry for this variant (Variation ID: 1029101). Algorithms developed to predict the effect of sequence changes on RNA splicing suggest that this variant may disrupt the consensus splice site. This variant is located in the A band of TTN (PMID: 25589632). Truncating variants in this region are significantly overrepresented in patients affected with dilated cardiomyopathy (PMID: 25589632). Truncating variants in this region have also been reported in individuals affected with autosomal recessive centronuclear myopathy (PMID: 23975875). In summary, the currently available evidence indicates that the variant is pathogenic, but additional data are needed to prove that conclusively. Therefore, this variant has been classified as Likely Pathogenic.

Baylor Genetics
Classification: Likely pathogenic for Dilated cardiomyopathy 1G. Last evaluated: 2020-01-07. Review status: criteria provided, single submitter. Criteria: ACMG Guidelines, 2015. Collection method: clinical testing. Allele origin: unknown. Affected: yes.
Comment: This variant was determined to be likely pathogenic according to ACMG Guidelines, 2015 [PMID:25741868].

Literature cited by the submitters: PubMed 25589632 (cited by Labcorp Genetics (formerly Invitae), Labcorp); PubMed 23975875 (cited by Labcorp Genetics (formerly Invitae), Labcorp).

NM_001267550.2(TTN):c.91564+2T>C

Genes: TTN-AS1 (TTN antisense RNA 1; plus strand), TTN (titin; minus strand). Cytogenetic location: 2q31.2.
Variant type: single nucleotide variant.
Coding change: c.91564+2T>C on transcript NM_001267550.2 (MANE Select); the canonical splice donor site of the intron after coding-DNA position 91564, T replaced by C.
Molecular consequence: splice donor variant.
Genome position (GRCh38, 1-based): chr2:178,550,965, A>G on the plus strand (T>C on the coding strand, the complement: TTN is on the minus strand). VCF-style: chr2-178550965-A-G. GRCh37 (hg19) VCF-style: chr2-179415692-A-G.
Other names: c.64369+2T>C (NM_003319.4); c.64945+2T>C (NM_133437.4); c.64744+2T>C (NM_133432.3); c.83860+2T>C (NM_133378.4); c.86641+2T>C (NM_001256850.1).
Identifiers: ClinVar variation 1029101 (VCV001029101.6), dbSNP rs1699208458, ClinGen allele CA349500213.